The following is an entry in ClinVar:

NM_006767.4(LZTR1):c.2440_2444dup (p.Gln815fs)

Gene: LZTR1 (leucine zipper like post translational regulator 1; plus strand). Cytogenetic location: 22q11.21.
Variant type: Duplication.
Coding change: c.2440_2444dup on transcript NM_006767.4 (MANE Select); coding-DNA positions 2440 to 2444, 5 bases duplicated (CAGCA; older notation c.2440_2444dupCAGCA).
Protein change: p.Gln815fs; shifts the reading frame from glutamine 815.
Molecular consequence: frameshift variant.
Genome position (GRCh38, 1-based): chr22:20,997,265-20,997,269, CAGCA duplicated. VCF-style (leftmost placement, unchanged base first): chr22-20997264-C-CCAGCA. GRCh37 (hg19) VCF-style: chr22-21351553-C-CCAGCA.
Other names: short protein forms Q815fs.
Identifiers: ClinVar variation 1696285 (VCV001696285.1), dbSNP rs1467667029, ClinGen allele CA751569559.
Genomic context (GRCh38, chr22:20,997,264, plus strand): 5'-ATCTCCTTCCGGCCTGCTTGCCTTACAGGTCTCCAAGTTGCCCACCCTGCGGTCGCTGAG[C>CCAGCA]CAGCAGCTGCTGCTGGACATCATAGACTCCCTGGCCTCCCACATCTCAGACAAGCAGTGC-3'

ClinVar aggregate classification (germline): Uncertain significance (1 of 4 stars; one submission).

Allele frequency attached by ClinVar (database versions not stated): TOPMed below 0.00001.

Submission:

Women's Health and Genetics/Laboratory Corporation of America, LabCorp
Classification: Uncertain significance. Last evaluated: 2022-05-09. Review status: criteria provided, single submitter. Criteria: LabCorp Variant Classification Summary - May 2015. Collection method: clinical testing. Allele origin: germline.
Comment: Variant summary: LZTR1 c.2440_2444dupCAGCA (p.Gln815HisfsX9) results in a premature termination codon, predicted to cause a truncation of the encoded protein or absence of the protein due to nonsense mediated decay, which are commonly known mechanisms for disease. Truncations downstream of this position have been reported in association with Schwannomatosis in the HGMD database. The variant was absent in 250556 control chromosomes. The available data on variant occurrences in the general population are insufficient to allow any conclusion about variant significance. To our knowledge, no occurrence of c.2440_2444dupCAGCA in individuals affected with Noonan Syndrome and no experimental evidence demonstrating its impact on protein function have been reported. No clinical diagnostic laboratories have submitted clinical-significance assessments for this variant to ClinVar after 2014. Germline loss of function mutations in LZTR1 have been reported to predispose to an inherited disorder of multiple schwannomas (Piotrowski_2014). Based on the evidence outlined above, the variant was classified as likely pathogenic for the risk of multiple schwannomas and as a variant of uncertain clinical significance for the phenotype NSRD.